The following is an entry in ClinVar:

NM_004700.4(KCNQ4):c.1315C>T (p.Arg439Cys)

Gene: KCNQ4 (potassium voltage-gated channel subfamily Q member 4; plus strand). Cytogenetic location: 1p34.2.
Variant type: single nucleotide variant.
Coding change: c.1315C>T on transcript NM_004700.4 (MANE Select); coding-DNA position 1315, C replaced by T.
Protein change: p.Arg439Cys; replaces arginine 439 with cysteine.
Molecular consequence: missense variant.
Genome position (GRCh38, 1-based): chr1:40,831,106, C>T. VCF-style: chr1-40831106-C-T. GRCh37 (hg19) VCF-style: chr1-41296778-C-T.
Other names: c.1315C>T (NM_004700.3); c.1153C>T, p.Arg385Cys (NM_172163.3); short protein forms R385C, R439C.
Identifiers: ClinVar variation 2892780 (VCV002892780.7), dbSNP rs145573794, ClinGen allele CA794858.

ClinVar aggregate classification (germline): Conflicting classifications of pathogenicity. Review status: criteria provided, conflicting classifications (1 of 4 stars). 4 submissions from 4 submitters: Uncertain significance (3); Likely benign (1). Last evaluated 2025-06-27.

Conditions:
Inborn genetic diseases. Identifiers: MedGen C0950123, MeSH D030342.

Allele frequency attached by ClinVar (database versions not stated): TOPMed 0.00007; ExAC 0.00011; ESP Exome Variant Server 0.00015.
gnomAD v4.1: 165 of 1,601,932 alleles (0.01%); highest among the groups gnomAD compares: Non-Finnish European, 0.013%; no homozygotes.

Submissions (4):

GeneDx
Classification: Uncertain significance. Last evaluated: 2025-06-27. Review status: criteria provided, single submitter. Criteria: GeneDx Variant Classification Process June 2021. Collection method: clinical testing. Allele origin: germline. Affected: yes.
Comment: In silico analysis supports that this missense variant has a deleterious effect on protein structure/function; Has not been previously published as pathogenic or benign to our knowledge

Ambry Genetics
Classification: Uncertain significance for Inborn genetic diseases. Last evaluated: 2024-12-12. Review status: criteria provided, single submitter. Criteria: Ambry Variant Classification Scheme 2023. Collection method: clinical testing. Allele origin: germline.

Labcorp Genetics (formerly Invitae), Labcorp
Classification: Uncertain significance. Last evaluated: 2024-01-29. Review status: criteria provided, single submitter. Criteria: Invitae Variant Classification Sherloc (09022015). Collection method: clinical testing. Allele origin: germline.
Comment: This sequence change replaces arginine, which is basic and polar, with cysteine, which is neutral and slightly polar, at codon 439 of the KCNQ4 protein (p.Arg439Cys). This variant is present in population databases (rs145573794, gnomAD 0.01%). This variant has not been reported in the literature in individuals affected with KCNQ4-related conditions. Advanced modeling of protein sequence and biophysical properties (such as structural, functional, and spatial information, amino acid conservation, physicochemical variation, residue mobility, and thermodynamic stability) has been performed at Invitae for this missense variant, however the output from this modeling did not meet the statistical confidence thresholds required to predict the impact of this variant on KCNQ4 protein function. In summary, the available evidence is currently insufficient to determine the role of this variant in disease. Therefore, it has been classified as a Variant of Uncertain Significance.

Blueprint Genetics
Classification: Likely benign. Last evaluated: 2022-11-01. Review status: criteria provided, single submitter. Criteria: ACMG Guidelines, 2015. Collection method: clinical testing. Allele origin: germline.